The following is an entry in ClinVar:

ClinVar aggregate classification (germline): Uncertain significance (1 of 4 stars; one submission).

Allele frequency attached by ClinVar (database versions not stated): gnomAD 0.00001.
gnomAD v4.1: 5 of 1,614,098 alleles (0.00031%); highest among the groups gnomAD compares: East Asian, 0.0045%; no homozygotes.

Submission:

Labcorp Genetics (formerly Invitae), Labcorp
Classification: Uncertain significance. Last evaluated: 2022-05-18. Review status: criteria provided, single submitter. Criteria: Invitae Variant Classification Sherloc (09022015). Collection method: clinical testing. Allele origin: germline.
Comment: This sequence change replaces glutamic acid, which is acidic and polar, with aspartic acid, which is acidic and polar, at codon 10 of the IFT43 protein (p.Glu10Asp). The frequency data for this variant in the population databases is considered unreliable, as metrics indicate poor data quality at this position in the gnomAD database. This variant has not been reported in the literature in individuals affected with IFT43-related conditions. Algorithms developed to predict the effect of missense changes on protein structure and function output the following: SIFT: "Tolerated"; PolyPhen-2: "Not Available"; Align-GVGD: "Class C0". The aspartic acid amino acid residue is found in multiple mammalian species, which suggests that this missense change does not adversely affect protein function. In summary, the available evidence is currently insufficient to determine the role of this variant in disease. Therefore, it has been classified as a Variant of Uncertain Significance.

NM_001102564.3(IFT43):c.30G>T (p.Glu10Asp)

Gene: IFT43 (intraflagellar transport 43; plus strand). Cytogenetic location: 14q24.3.
Variant type: single nucleotide variant.
Coding change: c.30G>T on transcript NM_001102564.3 (MANE Select); coding-DNA position 30, G replaced by T.
Protein change: p.Glu10Asp; replaces glutamic acid 10 with aspartic acid.
Molecular consequence: missense variant. On other transcripts: non-coding transcript variant (2).
Genome position (GRCh38, 1-based): chr14:75,985,816, G>T. VCF-style: chr14-75985816-G-T. GRCh37 (hg19) VCF-style: chr14-76452159-G-T.
Other names: c.30G>T, p.Glu10Asp (NM_001255995.3, NM_052873.3); short protein forms E10D.
Identifiers: ClinVar variation 1964917 (VCV001964917.2), dbSNP rs750333002, ClinGen allele CA390472843.